The following is an entry in ClinVar:

ClinVar aggregate classification (germline): Conflicting classifications of pathogenicity. Review status: criteria provided, conflicting classifications (1 of 4 stars). 4 submissions from 4 submitters: Uncertain significance (1); Likely benign (2). 1 of the submissions does not count toward it. Last evaluated 2025-11-28.

Conditions:
MAFB-related disorder. Also called: MAFB-related condition.
Multicentric carpo-tarsal osteolysis with or without nephropathy. Also called: Carnevale Canun Mendoza syndrome; Multicentric Osteolysis of Carpal Bones and Nephropathy; OSTEOLYSIS, HEREDITARY, OF CARPAL BONES WITH OR WITHOUT NEPHROPATHY; MULTICENTRIC CARPOTARSAL OSTEOLYSIS SYNDROME; Multicentric Carpotarsal Osteolysis with or without Nephropathy; MULTICENTRIC OSTEOLYSIS, AUTOSOMAL DOMINANT. Identifiers: Orphanet 2774, MedGen C2674705, MONDO:0008152, OMIM 166300.
Duane retraction syndrome 3 with or without deafness (DURS3). Also called: DUANE RETRACTION SYNDROME 3; Duane syndrome type 3. Identifiers: Orphanet 233, MedGen C4310752, MONDO:0014880, OMIM 617041.
Inborn genetic diseases. Identifiers: MedGen C0950123, MeSH D030342.

Allele frequency attached by ClinVar (database versions not stated): gnomAD 0.00001 and 0.00003; gnomAD exomes 0.00001 and 0.00007; TOPMed 0.00006; ExAC 0.00008.
gnomAD v4.1: 27 of 1,613,948 alleles (0.0017%); highest among the groups gnomAD compares: East Asian, 0.045%; no homozygotes.

Submissions (4):

Labcorp Genetics (formerly Invitae), Labcorp
Classification: Likely benign. Last evaluated: 2025-11-28. Review status: criteria provided, single submitter. Criteria: Invitae Variant Classification Sherloc (09022015). Collection method: clinical testing. Allele origin: germline.

Ambry Genetics
Classification: Uncertain significance for Inborn genetic diseases. Last evaluated: 2022-12-12. Review status: criteria provided, single submitter. Criteria: Ambry Variant Classification Scheme 2023. Collection method: clinical testing. Allele origin: germline.

Fulgent Genetics
Classification: Likely benign for Multicentric carpo-tarsal osteolysis with or without nephropathy; Duane retraction syndrome 3 with or without deafness. Last evaluated: 2021-12-28. Review status: criteria provided, single submitter. Criteria: ACMG Guidelines, 2015. Collection method: clinical testing. Allele origin: unknown.

PreventionGenetics, part of Exact Sciences
Classification: Likely benign for MAFB-related condition. Last evaluated: 2022-09-23. Review status: no assertion criteria provided. Collection method: clinical testing. Allele origin: germline. Not counted in ClinVar's aggregate classification.
Comment: This variant is classified as likely benign based on ACMG/AMP sequence variant interpretation guidelines (Richards et al. 2015 PMID: 25741868, with internal and published modifications).

NM_005461.5(MAFB):c.294G>C (p.Glu98Asp)

Gene: MAFB (MAF bZIP transcription factor B; minus strand). Cytogenetic location: 20q12.
Variant type: single nucleotide variant.
Coding change: c.294G>C on transcript NM_005461.5 (MANE Select); coding-DNA position 294, G replaced by C.
Protein change: p.Glu98Asp; replaces glutamic acid 98 with aspartic acid.
Molecular consequence: missense variant.
Genome position (GRCh38, 1-based): chr20:40,688,557, C>G on the plus strand (G>C on the coding strand, the complement: MAFB is on the minus strand). VCF-style: chr20-40688557-C-G. GRCh37 (hg19) VCF-style: chr20-39317197-C-G.
Other names: c.294G>C (NM_005461.4, NM_005461.3); short protein forms E98D.
Identifiers: ClinVar variation 1590748 (VCV001590748.12), dbSNP rs374174345, ClinGen allele CA9857816.
Genomic context (GRCh38, chr20:40,688,557, plus strand): 5'-TGGCACTGGGTGCGAGCCGATGAGCGCTTCCACCGCGTCCTCGGGCGTCAGGTTGAGCGC[C>G]TCGGGGTTCATCTGCTGGTAGTTGCTCGCCATCCAGTACAGATCCTCGAGGTGTGTCTTC-3'
Protein context (NP_005452.2, residues 88-108): MASNYQQMNP[Glu98Asp]ALNLTPEDAV